The following is an entry in ClinVar:

ClinVar aggregate classification (germline): Uncertain significance. Review status: criteria provided, multiple submitters, no conflicts (2 of 4 stars). 2 submissions from 2 submitters: Uncertain significance (2). Last evaluated 2024-07-25.

Conditions:
Hereditary cancer-predisposing syndrome. Also called: Neoplastic Syndromes, Hereditary; Tumor predisposition; Hereditary Cancer Syndrome; Hereditary neoplastic syndrome. Identifiers: Orphanet 140162, MedGen C0027672, MeSH D009386, MONDO:0015356.

Submissions (2):

Ambry Genetics
Classification: Uncertain significance for Hereditary cancer-predisposing syndrome. Last evaluated: 2024-07-25. Review status: criteria provided, single submitter. Criteria: Ambry Variant Classification Scheme 2023. Collection method: clinical testing. Allele origin: germline.
Comment: The p.T1622I variant (also known as c.4865C>T), located in coding exon 14 of the BRCA1 gene, results from a C to T substitution at nucleotide position 4865. The threonine at codon 1622 is replaced by isoleucine, an amino acid with similar properties. This amino acid position is not well conserved in available vertebrate species. In addition, the in silico prediction for this alteration is inconclusive. Based on the available evidence, the clinical significance of this variant remains unclear.

GeneDx
Classification: Uncertain significance. Last evaluated: 2022-04-18. Review status: criteria provided, single submitter. Criteria: GeneDx Variant Classification Process June 2021. Collection method: clinical testing. Allele origin: germline. Affected: yes.
Comment: Not observed at significant frequency in large population cohorts (gnomAD); In silico analysis supports that this missense variant does not alter protein structure/function; Has not been previously published as pathogenic or benign to our knowledge; Also known as 4984C>T

NM_007294.4(BRCA1):c.4865C>T (p.Thr1622Ile)

Gene: BRCA1 (BRCA1 DNA repair associated; minus strand). Cytogenetic location: 17q21.31.
Variant type: single nucleotide variant.
Coding change: c.4865C>T on transcript NM_007294.4 (MANE Select); coding-DNA position 4865, C replaced by T.
Protein change: p.Thr1622Ile; replaces threonine 1622 with isoleucine.
Molecular consequence: missense variant. On other transcripts: non-coding transcript variant (1).
Genome position (GRCh38, 1-based): chr17:43,071,049, G>A on the plus strand (C>T on the coding strand, the complement: BRCA1 is on the minus strand). VCF-style: chr17-43071049-G-A. GRCh37 (hg19) VCF-style: chr17-41223066-G-A.
Other names: c.4721C>T, p.Thr1574Ile (NM_001407735.1, NM_001407736.1, NM_001407737.1 and 21 more transcripts); c.1475C>T, p.Thr492Ile (NM_001408413.1, NM_001408414.1, NM_001408412.1 and 2 more transcripts); c.1478C>T, p.Thr493Ile (NM_001408411.1); c.4736C>T, p.Thr1579Ile (NM_001407689.1, NM_001407941.1, NM_001407681.1 and 6 more transcripts); c.4733C>T, p.Thr1578Ile (NM_001407690.1, NM_001407691.1); c.4724C>T, p.Thr1575Ile (NM_001407692.1, NM_001407942.1, NM_007297.4 and 13 more transcripts); c.4742C>T, p.Thr1581Ile (NM_001407938.1, NM_001407919.1, NM_001407937.1 and 6 more transcripts); c.4739C>T, p.Thr1580Ile (NM_001407939.1, NM_001407940.1, NM_001407670.1 and 11 more transcripts); and 70 more; short protein forms T1325I, T1326I, T1453I, T1468I, T1493I, T1494I, T1495I, T1509I.
Identifiers: ClinVar variation 1712224 (VCV001712224.3), dbSNP rs786202573, ClinGen allele CA10591795.